The following is an entry in ClinVar:

ClinVar aggregate classification (germline): Uncertain significance (1 of 4 stars; one submission).

Conditions:
Diamond-Blackfan anemia 3 (DBA3). Also called: RPS24-Related Diamond-Blackfan Anemia. Identifiers: Orphanet 124, MedGen C1857719, MONDO:0012529, OMIM 610629.

Allele frequency attached by ClinVar (database versions not stated): gnomAD exomes below 0.00001.
gnomAD v4.1: 2 of 1,548,690 alleles (0.00013%); highest among the groups gnomAD compares: Non-Finnish European, 0.00017%; no homozygotes.

Submission:

Baylor Genetics
Classification: Uncertain significance for Diamond-Blackfan anemia 3. Last evaluated: 2020-04-10. Review status: criteria provided, single submitter. Criteria: ACMG Guidelines, 2015. Collection method: clinical testing. Allele origin: paternal. Affected: yes. Study: CSER-TexasKidsCanSeq.
Comment: This variant was determined to be of uncertain significance according to ACMG Guidelines, 2015 [PMID:25741868].

NM_001142285.2(RPS24):c.439G>A (p.Glu147Lys)

Gene: RPS24 (ribosomal protein S24; plus strand). Cytogenetic location: 10q22.3.
Variant type: single nucleotide variant.
Coding change: c.439G>A on transcript NM_001142285.2; coding-DNA position 439, G replaced by A.
Protein change: p.Glu147Lys; replaces glutamic acid 147 with lysine.
Molecular consequence: missense variant.
Genome position (GRCh38, 1-based): chr10:78,054,579, G>A. VCF-style: chr10-78054579-G-A. GRCh37 (hg19) VCF-style: chr10-79814337-G-A.
Other names: short protein forms E147K.
Identifiers: ClinVar variation 997562 (VCV000997562.4), dbSNP rs1848131795, ClinGen allele CA377337685.